The following is an entry in ClinVar:

ClinVar aggregate classification (germline): Benign/Likely benign. Review status: criteria provided, multiple submitters, no conflicts (2 of 4 stars). 3 submissions from 3 submitters: Benign (1); Likely benign (2). Last evaluated 2026-02-03.

Submissions (3):

Labcorp Genetics (formerly Invitae), Labcorp
Classification: Benign. Last evaluated: 2026-02-03. Review status: criteria provided, single submitter. Criteria: Invitae Variant Classification Sherloc (09022015). Collection method: clinical testing. Allele origin: germline.

Mayo Clinic Laboratories, Mayo Clinic
Classification: Likely benign. Last evaluated: 2025-10-24. Review status: criteria provided, single submitter. Criteria: ACMG Guidelines, 2015. Collection method: clinical testing. Allele origin: germline. Observed: 8 variant alleles.
Comment: BP4, BP7

Blueprint Genetics
Classification: Likely benign. Last evaluated: 2024-11-26. Review status: criteria provided, single submitter. Criteria: ACMG Guidelines, 2015. Collection method: clinical testing. Allele origin: germline.

NM_001378457.1(DMXL2):c.88-5_88-3dup

Gene: DMXL2 (Dmx like 2; minus strand). Cytogenetic location: 15q21.2.
Variant type: Duplication.
Coding change: c.88-5_88-3dup on transcript NM_001378457.1 (MANE Select); 5 bases into the intron before coding-DNA position 88 through 3 bases into the intron before coding-DNA position 88, 3 bases duplicated (TTT; older notation c.88-5_88-3dupTTT).
Molecular consequence: intron variant.
Genome position (GRCh38, 1-based): chr15:51,576,184-51,576,186, AAA duplicated on the plus strand (TTT on the coding strand, the reverse complement: DMXL2 is on the minus strand); duplicating any 3 consecutive bases within chr15:51,576,184-51,576,203 gives the same sequence; the c. name uses the placement nearest the transcript's 3' end. VCF-style (leftmost placement, unchanged base first): chr15-51576183-T-TAAA. GRCh37 (hg19) VCF-style: chr15-51868380-T-TAAA.
Other names: p.?; c.88-5_88-3dup (NM_001174116.2, NM_001378460.1, NM_001174117.3 and 8 more transcripts).
Identifiers: ClinVar variation 789074 (VCV000789074.10), dbSNP rs3078066, ClinGen allele CA270818535.